The following is an entry in ClinVar:

NM_003052.5(SLC34A1):c.*431C>T

Gene: SLC34A1 (solute carrier family 34 member 1; plus strand). Cytogenetic location: 5q35.3.
Variant type: single nucleotide variant.
Coding change: c.*431C>T on transcript NM_003052.5 (MANE Select); 431 bases downstream of the stop codon, C replaced by T.
Molecular consequence: 3 prime UTR variant.
Genome position (GRCh38, 1-based): chr5:177,398,717, C>T. VCF-style: chr5-177398717-C-T. GRCh37 (hg19) VCF-style: chr5-176825718-C-T.
Identifiers: ClinVar variation 907755 (VCV000907755.4), dbSNP rs139531166, ClinGen allele CA132830797.

ClinVar aggregate classification (germline): Benign (1 of 4 stars; one submission).

Conditions:
Hypophosphatemic nephrolithiasis/osteoporosis 1. Identifiers: Orphanet 244305, MedGen C2676786, MONDO:0012850, OMIM 612286.

Allele frequency attached by ClinVar (database versions not stated): TOPMed below 0.00001; gnomAD 0.00001 and 0.00005; gnomAD exomes 0.00011; 1000 Genomes Project 30x 0.00047; 1000 Genomes Project 0.00060.
gnomAD v4.1: 13 of 209,220 alleles (0.0062%); highest among the groups gnomAD compares: East Asian, 0.17%; no homozygotes.

Submission:

Illumina Laboratory Services, Illumina
Classification: Benign for Hypophosphatemic nephrolithiasis/osteoporosis 1. Last evaluated: 2018-01-13. Review status: criteria provided, single submitter. Criteria: ICSL Variant Classification Criteria 13 December 2019. Collection method: clinical testing. Allele origin: germline.
Comment: This variant was observed in the ICSL laboratory as part of a predisposition screen in an ostensibly healthy population. It had not been previously curated by ICSL or reported in the Human Gene Mutation Database (HGMD: prior to June 1st, 2018), and was therefore a candidate for classification through an automated scoring system. Utilizing variant allele frequency, disease prevalence and penetrance estimates, and inheritance mode, an automated score was calculated to assess if this variant is too frequent to cause the disease. Based on the score and internal cut-off values, a variant classified as benign is not then subjected to further curation. The score for this variant resulted in a classification of benign for this disease.